The following is an entry in ClinVar:

NM_006445.4(PRPF8):c.2400C>T (p.Tyr800=)

Gene: PRPF8 (pre-mRNA processing factor 8; minus strand). Cytogenetic location: 17p13.3.
Variant type: single nucleotide variant.
Coding change: c.2400C>T on transcript NM_006445.4 (MANE Select); coding-DNA position 2400, C replaced by T.
Protein change: p.Tyr800=; no amino-acid change (tyrosine 800 retained).
Molecular consequence: synonymous variant.
Genome position (GRCh38, 1-based): chr17:1,676,359, G>A on the plus strand (C>T on the coding strand, the complement: PRPF8 is on the minus strand). VCF-style: chr17-1676359-G-A. GRCh37 (hg19) VCF-style: chr17-1579653-G-A.
Other names: c.2400C>T (NM_006445.3).
Identifiers: ClinVar variation 1120685 (VCV001120685.9), dbSNP rs148023159, ClinGen allele CA8272120.

ClinVar aggregate classification (germline): Likely benign. Review status: criteria provided, multiple submitters, no conflicts (2 of 4 stars). 3 submissions from 3 submitters: Likely benign (3). Last evaluated 2025-10-03.

Conditions:
PRPF8-related disorder. Also called: PRPF8-related condition.

Allele frequency attached by ClinVar (database versions not stated): gnomAD exomes 0.00003; ExAC 0.00005; gnomAD 0.00012 and 0.00013; TOPMed 0.00013; ESP Exome Variant Server 0.00015; 1000 Genomes Project 0.00020; 1000 Genomes Project 30x 0.00031.
gnomAD v4.1: 29 of 1,614,158 alleles (0.0018%); highest among the groups gnomAD compares: African/African-American, 0.035%; no homozygotes.

Submissions (3):

Labcorp Genetics (formerly Invitae), Labcorp
Classification: Likely benign. Last evaluated: 2025-10-03. Review status: criteria provided, single submitter. Criteria: Invitae Variant Classification Sherloc (09022015). Collection method: clinical testing. Allele origin: germline.

PreventionGenetics, part of Exact Sciences
Classification: Likely benign for PRPF8-related condition. Last evaluated: 2025-08-04. Review status: criteria provided, single submitter. Criteria: ACMG Guidelines, 2015. Collection method: clinical testing. Allele origin: germline.
Comment: This variant is classified as likely benign based on ACMG/AMP sequence variant interpretation guidelines (Richards et al. 2015 PMID: 25741868, with internal and published modifications).

Blueprint Genetics
Classification: Likely benign. Last evaluated: 2023-10-27. Review status: criteria provided, single submitter. Criteria: ACMG Guidelines, 2015. Collection method: clinical testing. Allele origin: germline.